The following is an entry in ClinVar:

ClinVar aggregate classification (germline): Uncertain significance (1 of 4 stars; one submission).

gnomAD v4.1: 22 of 1,613,736 alleles (0.0014%); highest among the groups gnomAD compares: South Asian, 0.019%; no homozygotes.

Submission:

Labcorp Genetics (formerly Invitae), Labcorp
Classification: Uncertain significance. Last evaluated: 2025-09-13. Review status: criteria provided, single submitter. Criteria: Invitae Variant Classification Sherloc (09022015). Collection method: clinical testing. Allele origin: germline.
Comment: This sequence change replaces methionine, which is neutral and non-polar, with isoleucine, which is neutral and non-polar, at codon 319 of the GNAT1 protein (p.Met319Ile). This variant is present in population databases (rs776440552, gnomAD 0.02%). This variant has not been reported in the literature in individuals affected with GNAT1-related conditions. Invitae Evidence Modeling of protein sequence and biophysical properties (such as structural, functional, and spatial information, amino acid conservation, physicochemical variation, residue mobility, and thermodynamic stability) indicates that this missense variant is not expected to disrupt GNAT1 protein function with a negative predictive value of 80%. In summary, the available evidence is currently insufficient to determine the role of this variant in disease. Therefore, it has been classified as a Variant of Uncertain Significance.

NM_144499.3(GNAT1):c.957G>A (p.Met319Ile)

Gene: GNAT1 (G protein subunit alpha transducin 1; plus strand). Cytogenetic location: 3p21.31.
Variant type: single nucleotide variant.
Coding change: c.957G>A on transcript NM_144499.3 (MANE Select); coding-DNA position 957, G replaced by A.
Protein change: p.Met319Ile; replaces methionine 319 with isoleucine.
Molecular consequence: missense variant.
Genome position (GRCh38, 1-based): chr3:50,194,859, G>A. VCF-style: chr3-50194859-G-A. GRCh37 (hg19) VCF-style: chr3-50232292-G-A.
Other names: c.957G>A, p.Met319Ile (NM_000172.4); short protein forms M319I.
Identifiers: ClinVar variation 4776931 (VCV004776931.1).